The following is an entry in ClinVar:

NM_000051.4(ATM):c.3154-20C>T

Gene: ATM (ATM serine/threonine kinase; plus strand). Cytogenetic location: 11q22.3.
Variant type: single nucleotide variant.
Coding change: c.3154-20C>T on transcript NM_000051.4 (MANE Select); 20 bases into the intron before coding-DNA position 3154, C replaced by T.
Molecular consequence: intron variant.
Genome position (GRCh38, 1-based): chr11:108,272,702, C>T. VCF-style: chr11-108272702-C-T. GRCh37 (hg19) VCF-style: chr11-108143429-C-T.
Other names: c.3154-20C>T (NM_001351834.2).
Identifiers: ClinVar variation 385168 (VCV000385168.6), dbSNP rs1057522141, ClinGen allele CA16606164.

ClinVar aggregate classification (germline): Likely benign. Review status: criteria provided, multiple submitters, no conflicts (2 of 4 stars). 3 submissions from 3 submitters: Likely benign (3). Last evaluated 2025-12-13.

Conditions:
Familial cancer of breast. Also called: BREAST CANCER, FAMILIAL; hereditary breast carcinoma; Hereditary breast cancer. Identifiers: Orphanet 227535, MedGen C0346153, MONDO:0016419, OMIM 114480. Disease mechanism: loss of function.
Ataxia-telangiectasia syndrome (AT). Also called: AT, COMPLEMENTATION GROUP C; ATAXIA-TELANGIECTASIA, COMPLEMENTATION GROUP A; ATAXIA-TELANGIECTASIA, FRESNO VARIANT; LOUIS-BAR SYNDROME; Ataxia-telangiectasia; Cerebello-oculocutaneous telangiectasia. Identifiers: Orphanet 100, MedGen C0004135, MONDO:0008840, OMIM 208900.

gnomAD v4.1: 1 of 1,613,722 alleles (0.000062%); no homozygotes.

Submissions (3):

Labcorp Genetics (formerly Invitae), Labcorp
Classification: Likely benign for Ataxia-telangiectasia syndrome. Last evaluated: 2025-12-13. Review status: criteria provided, single submitter. Criteria: Invitae Variant Classification Sherloc (09022015). Collection method: clinical testing. Allele origin: germline.

Myriad Genetics, Inc.
Classification: Likely benign for Familial cancer of breast. Last evaluated: 2024-05-13. Review status: criteria provided, single submitter. Criteria: Myriad Autosomal Dominant, Autosomal Recessive and X-Linked Classification Criteria (2023). Collection method: clinical testing. Allele origin: unknown.
Comment: This variant is considered likely benign. This variant is intronic and is not expected to impact mRNA splicing.

GeneDx
Classification: Likely benign. Last evaluated: 2016-03-25. Review status: criteria provided, single submitter. Criteria: GeneDx Variant Classification (06012015). Collection method: clinical testing. Allele origin: germline. Affected: yes.
Comment: This variant is considered likely benign or benign based on one or more of the following criteria: it is a conservative change, it occurs at a poorly conserved position in the protein, it is predicted to be benign by multiple in silico algorithms, and/or has population frequency not consistent with disease.